The following is an entry in ClinVar:

NM_000038.6(APC):c.665A>T (p.Gln222Leu)

Gene: APC (APC regulator of Wnt signaling pathway; plus strand). Cytogenetic location: 5q22.2.
Variant type: single nucleotide variant.
Coding change: c.665A>T on transcript NM_000038.6 (MANE Select); coding-DNA position 665, A replaced by T.
Protein change: p.Gln222Leu; replaces glutamine 222 with leucine.
Molecular consequence: missense variant. On other transcripts: 5 prime UTR variant (1), intron variant (2).
Genome position (GRCh38, 1-based): chr5:112,792,465, A>T. VCF-style: chr5-112792465-A-T. GRCh37 (hg19) VCF-style: chr5-112128162-A-T.
Other names: c.665A>T, p.Gln222Leu (NM_001127510.3, NM_001354895.2, NM_001354896.2 and 1 more transcripts); c.695A>T, p.Gln232Leu (NM_001354897.2, NM_001354902.2); c.590A>T, p.Gln197Leu (NM_001354898.2, NM_001354904.2); c.488A>T, p.Gln163Leu (NM_001354900.2, NM_001354901.2, NM_001354905.2); c.-371A>T (NM_001354906.2); c.676-8814A>T (NM_001127511.3); c.646-8814A>T (NM_001354899.2); short protein forms Q222L, Q163L, Q197L, Q232L.
Identifiers: ClinVar variation 470056 (VCV000470056.15), dbSNP rs1554074733, ClinGen allele CA16022790.

ClinVar aggregate classification (germline): Uncertain significance. Review status: criteria provided, multiple submitters, no conflicts (2 of 4 stars). 2 submissions from 2 submitters: Uncertain significance (2). Last evaluated 2023-12-05.

Conditions:
Familial adenomatous polyposis 1 (FAP1). Also called: POLYPOSIS, ADENOMATOUS INTESTINAL; FAMILIAL ADENOMATOUS POLYPOSIS 1, ATTENUATED. Identifiers: MedGen C2713442, MONDO:0021056, OMIM 175100. Disease mechanism: loss of function.
Hereditary cancer-predisposing syndrome. Also called: Hereditary neoplastic syndrome; Neoplastic Syndromes, Hereditary; Tumor predisposition; Hereditary Cancer Syndrome. Identifiers: Orphanet 140162, MedGen C0027672, MeSH D009386, MONDO:0015356.

gnomAD v4.1: 1 of 1,610,746 alleles (0.000062%); highest among the groups gnomAD compares: East Asian, 0.0022%; no homozygotes.

Submissions (2):

Color Diagnostics, LLC DBA Color Health
Classification: Uncertain significance for Hereditary cancer-predisposing syndrome. Last evaluated: 2023-12-05. Review status: criteria provided, single submitter. Criteria: ACMG Guidelines, 2015. Collection method: clinical testing. Allele origin: germline.
Comment: This missense variant replaces glutamine with leucine at codon 222 of the APC protein. Computational prediction is inconclusive regarding the impact of this variant on protein structure and function (internally defined REVEL score threshold 0.5 < inconclusive < 0.7, PMID: 27666373). To our knowledge, functional studies have not been reported for this variant. This variant has not been reported in individuals affected with APC-related disorders in the literature. This variant has not been identified in the general population by the Genome Aggregation Database (gnomAD). The available evidence is insufficient to determine the role of this variant in disease conclusively. Therefore, this variant is classified as a Variant of Uncertain Significance.

Labcorp Genetics (formerly Invitae), Labcorp
Classification: Uncertain significance for Familial adenomatous polyposis 1. Last evaluated: 2022-12-02. Review status: criteria provided, single submitter. Criteria: Invitae Variant Classification Sherloc (09022015). Collection method: clinical testing. Allele origin: germline.
Comment: In summary, the available evidence is currently insufficient to determine the role of this variant in disease. Therefore, it has been classified as a Variant of Uncertain Significance. Advanced modeling of protein sequence and biophysical properties (such as structural, functional, and spatial information, amino acid conservation, physicochemical variation, residue mobility, and thermodynamic stability) performed at Invitae indicates that this missense variant is not expected to disrupt APC protein function. ClinVar contains an entry for this variant (Variation ID: 470056). This variant has not been reported in the literature in individuals affected with APC-related conditions. This variant is not present in population databases (gnomAD no frequency). This sequence change replaces glutamine, which is neutral and polar, with leucine, which is neutral and non-polar, at codon 222 of the APC protein (p.Gln222Leu).